The following is an entry in ClinVar:

NM_000090.4(COL3A1):c.3345A>G (p.Pro1115=)

Gene: COL3A1 (collagen type III alpha 1 chain; plus strand). Cytogenetic location: 2q32.2.
Variant type: single nucleotide variant.
Coding change: c.3345A>G on transcript NM_000090.4 (MANE Select); coding-DNA position 3345, A replaced by G.
Protein change: p.Pro1115=; no amino-acid change (proline 1115 retained).
Molecular consequence: synonymous variant.
Genome position (GRCh38, 1-based): chr2:189,007,589, A>G. VCF-style: chr2-189007589-A-G. GRCh37 (hg19) VCF-style: chr2-189872315-A-G.
Identifiers: ClinVar variation 459786 (VCV000459786.57), dbSNP rs1045040851, ClinGen allele CA62561442.

ClinVar aggregate classification (germline): Likely benign. Review status: criteria provided, multiple submitters, no conflicts (2 of 4 stars). 7 submissions from 7 submitters: Likely benign (7). Last evaluated 2026-05-04.

Conditions:
COL3A1-related disorder. Also called: COL3A1-related condition.
Familial thoracic aortic aneurysm and aortic dissection (TAAD). Also called: Thoracic aortic aneurysms and dissections. Identifiers: Orphanet 91387, MedGen C4707243, MONDO:0019625.
Ehlers-Danlos syndrome, type 4 (EDSVASC). Also called: Ehlers-Danlos syndrome vascular type; Ehlers Danlos syndrome, ecchymotic type; Ehlers Danlos syndrome, arterial type; Ehlers Danlos syndrome, Sack-Barabas type; Ehlers-Danlos Syndrome Type IV. Identifiers: Orphanet 286, MedGen C0268338, MONDO:0017314, OMIM 130050.

Allele frequency attached by ClinVar (database versions not stated): gnomAD 0.00001; gnomAD exomes 0.00001; TOPMed 0.00001.
gnomAD v4.1: 7 of 1,612,416 alleles (0.00043%); highest among the groups gnomAD compares: Non-Finnish European, 0.00059%; 1 homozygote.

Submissions (7):

Women's Health and Genetics/Laboratory Corporation of America, LabCorp
Classification: Likely benign. Last evaluated: 2026-05-04. Review status: criteria provided, single submitter. Criteria: LabCorp Variant Classification Summary - May 2015. Collection method: clinical testing. Allele origin: germline.

Labcorp Genetics (formerly Invitae), Labcorp
Classification: Likely benign for Ehlers-Danlos syndrome, type 4. Last evaluated: 2025-11-17. Review status: criteria provided, single submitter. Criteria: Invitae Variant Classification Sherloc (09022015). Collection method: clinical testing. Allele origin: germline.

PreventionGenetics, part of Exact Sciences
Classification: Likely benign for COL3A1-related condition. Last evaluated: 2025-09-02. Review status: criteria provided, single submitter. Criteria: ACMG Guidelines, 2015. Collection method: clinical testing. Allele origin: germline.
Comment: This variant is classified as likely benign based on ACMG/AMP sequence variant interpretation guidelines (Richards et al. 2015 PMID: 25741868, with internal and published modifications).

Ambry Genetics
Classification: Likely benign for Familial thoracic aortic aneurysm and aortic dissection. Last evaluated: 2025-05-24. Review status: criteria provided, single submitter. Criteria: Ambry Variant Classification Scheme 2023. Collection method: clinical testing. Allele origin: germline.

All of Us Research Program, National Institutes of Health
Classification: Likely benign for Ehlers-Danlos syndrome, type 4. Last evaluated: 2023-11-02. Review status: criteria provided, single submitter. Criteria: ACMG Guidelines, 2015. Collection method: clinical testing. Allele origin: germline. Inheritance: Autosomal dominant inheritance. Observed: 3 variant alleles, 3 heterozygotes.
Comment: This study involves interpretation of variants in research participants for the purpose of population health screening. Participant phenotype was not available at the time of variant classification. Additional details can be found in publication PMID: 35346344, PMCID: PMC8962531

Color Diagnostics, LLC DBA Color Health
Classification: Likely benign for Familial thoracic aortic aneurysm and aortic dissection. Last evaluated: 2019-01-11. Review status: criteria provided, single submitter. Criteria: ACMG Guidelines, 2015. Collection method: clinical testing. Allele origin: germline.

CeGaT Center for Human Genetics Tuebingen
Classification: Likely benign. Last evaluated: 2019-01-01. Review status: criteria provided, single submitter. Criteria: CeGaT Center For Human Genetics Tuebingen Variant Classification Criteria Version 2. Collection method: clinical testing. Allele origin: germline. Affected: yes. Observed: 1 variant allele.